The following is an entry in ClinVar:

ClinVar aggregate classification (germline): Conflicting classifications of pathogenicity. Review status: criteria provided, conflicting classifications (1 of 4 stars). 2 submissions from 2 submitters: Uncertain significance (1); Likely benign (1). Last evaluated 2022-12-06.

Conditions:
Hereditary cancer-predisposing syndrome. Also called: Tumor predisposition; Hereditary Cancer Syndrome; Neoplastic Syndromes, Hereditary; Hereditary neoplastic syndrome. Identifiers: Orphanet 140162, MedGen C0027672, MeSH D009386, MONDO:0015356.
Hereditary nonpolyposis colorectal neoplasms. Identifiers: MedGen C0009405, MeSH D003123.

Allele frequency attached by ClinVar (database versions not stated): gnomAD exomes below 0.00001.
gnomAD v4.1: 3 of 1,606,220 alleles (0.00019%); highest among the groups gnomAD compares: South Asian, 0.0011%; no homozygotes.

Submissions (2):

Labcorp Genetics (formerly Invitae), Labcorp
Classification: Likely benign for Hereditary nonpolyposis colorectal neoplasms. Last evaluated: 2022-12-06. Review status: criteria provided, single submitter. Criteria: Invitae Variant Classification Sherloc (09022015). Collection method: clinical testing. Allele origin: germline.

Ambry Genetics
Classification: Uncertain significance for Hereditary cancer-predisposing syndrome. Last evaluated: 2019-12-23. Review status: criteria provided, single submitter. Criteria: Ambry Variant Classification Scheme 2023. Collection method: clinical testing. Allele origin: germline.
Comment: The p.D1026G variant (also known as c.3077A>G), located in coding exon 4 of the MSH6 gene, results from an A to G substitution at nucleotide position 3077. The aspartic acid at codon 1026 is replaced by glycine, an amino acid with similar properties. This amino acid position is highly conserved in available vertebrate species. In addition, this alteration is predicted to be deleterious by in silico analysis. Since supporting evidence is limited at this time, the clinical significance of this alteration remains unclear.

NM_000179.3(MSH6):c.3077A>G (p.Asp1026Gly)

Gene: MSH6 (mutS homolog 6; plus strand). Cytogenetic location: 2p16.3.
Variant type: single nucleotide variant.
Coding change: c.3077A>G on transcript NM_000179.3 (MANE Select); coding-DNA position 3077, A replaced by G.
Protein change: p.Asp1026Gly; replaces aspartic acid 1026 with glycine.
Molecular consequence: missense variant.
Genome position (GRCh38, 1-based): chr2:47,801,060, A>G. VCF-style: chr2-47801060-A-G. GRCh37 (hg19) VCF-style: chr2-48028199-A-G.
Other names: c.2687A>G, p.Asp896Gly (NM_001281492.2); c.2171A>G, p.Asp724Gly (NM_001281493.2, NM_001281494.2); short protein forms D896G, D724G, D1026G.
Identifiers: ClinVar variation 822815 (VCV000822815.10), dbSNP rs1287554667, ClinGen allele CA346756555.